The following is an entry in ClinVar:

ClinVar aggregate classification (germline): Uncertain significance (1 of 4 stars; one submission).

Submission:

GeneDx
Classification: Uncertain significance. Last evaluated: 2023-11-13. Review status: criteria provided, single submitter. Criteria: GeneDx Variant Classification Process June 2021. Collection method: clinical testing. Allele origin: germline. Affected: yes.
Comment: Not observed at significant frequency in large population cohorts (gnomAD); In silico analysis supports that this variant does not alter splicing; Has not been previously published as pathogenic or benign to our knowledge

NM_178012.5(TUBB2B):c.1149G>A (p.Glu383=)

Gene: TUBB2B (tubulin beta 2B class IIb; minus strand). Cytogenetic location: 6p25.2.
Variant type: single nucleotide variant.
Coding change: c.1149G>A on transcript NM_178012.5 (MANE Select); coding-DNA position 1149, G replaced by A.
Protein change: p.Glu383=; no amino-acid change (glutamic acid 383 retained).
Molecular consequence: synonymous variant.
Genome position (GRCh38, 1-based): chr6:3,224,940, C>T on the plus strand (G>A on the coding strand, the complement: TUBB2B is on the minus strand). VCF-style: chr6-3224940-C-T. GRCh37 (hg19) VCF-style: chr6-3225174-C-T.
Identifiers: ClinVar variation 3364049 (VCV003364049.1).